The following is an entry in ClinVar:

NM_005219.5(DIAPH1):c.3416A>G (p.His1139Arg)

Gene: DIAPH1 (diaphanous related formin 1; minus strand). Cytogenetic location: 5q31.3.
Variant type: single nucleotide variant.
Coding change: c.3416A>G on transcript NM_005219.5 (MANE Select); coding-DNA position 3416, A replaced by G.
Protein change: p.His1139Arg; replaces histidine 1139 with arginine.
Molecular consequence: missense variant.
Genome position (GRCh38, 1-based): chr5:141,526,319, T>C on the plus strand (A>G on the coding strand, the complement: DIAPH1 is on the minus strand). VCF-style: chr5-141526319-T-C. GRCh37 (hg19) VCF-style: chr5-140905886-T-C.
Other names: c.3389A>G, p.His1130Arg (NM_001079812.3); c.3416A>G, p.His1139Arg (NM_001314007.2); short protein forms H1130R, H1139R.
Identifiers: ClinVar variation 3762316 (VCV003762316.2).

ClinVar aggregate classification (germline): Uncertain significance (1 of 4 stars; one submission).

Conditions:
Progressive microcephaly-seizures-cortical blindness-developmental delay syndrome. Also called: Seizures, cortical blindness, and microcephaly syndrome. Identifiers: Orphanet 477814, MedGen C5567650, MONDO:0014714, OMIM 616632.
Autosomal dominant nonsyndromic hearing loss 1. Also called: DEAFNESS, AUTOSOMAL DOMINANT 1, WITH OR WITHOUT THROMBOCYTOPENIA; KONIGSMARK SYNDROME. Identifiers: Orphanet 90635, MedGen C1852282, MONDO:0007424, OMIM 124900.

gnomAD v4.1: 2 of 1,614,192 alleles (0.00012%); highest among the groups gnomAD compares: Admixed American, 0.0017%; no homozygotes.

Submission:

Labcorp Genetics (formerly Invitae), Labcorp
Classification: Uncertain significance for Progressive microcephaly-seizures-cortical blindness-developmental delay syndrome; Autosomal dominant nonsyndromic hearing loss 1. Last evaluated: 2024-08-11. Review status: criteria provided, single submitter. Criteria: Invitae Variant Classification Sherloc (09022015). Collection method: clinical testing. Allele origin: germline.
Comment: This sequence change replaces histidine, which is basic and polar, with arginine, which is basic and polar, at codon 1139 of the DIAPH1 protein (p.His1139Arg). This variant is present in population databases (no rsID available, gnomAD 0.003%). This variant has not been reported in the literature in individuals affected with DIAPH1-related conditions. An algorithm developed to predict the effect of missense changes on protein structure and function (PolyPhen-2) suggests that this variant is likely to be tolerated. In summary, the available evidence is currently insufficient to determine the role of this variant in disease. Therefore, it has been classified as a Variant of Uncertain Significance.